The following is an entry in ClinVar:

NM_000834.5(GRIN2B):c.2891G>A (p.Ser964Asn)

Gene: GRIN2B (glutamate ionotropic receptor NMDA type subunit 2B; minus strand). Cytogenetic location: 12p13.1.
Variant type: single nucleotide variant.
Coding change: c.2891G>A on transcript NM_000834.5 (MANE Select); coding-DNA position 2891, G replaced by A.
Protein change: p.Ser964Asn; replaces serine 964 with asparagine.
Molecular consequence: missense variant.
Genome position (GRCh38, 1-based): chr12:13,564,347, C>T on the plus strand (G>A on the coding strand, the complement: GRIN2B is on the minus strand). VCF-style: chr12-13564347-C-T. GRCh37 (hg19) VCF-style: chr12-13717281-C-T.
Other names: c.2891G>A, p.Ser964Asn (NM_001413992.1); short protein forms S964N.
Identifiers: ClinVar variation 3370531 (VCV003370531.1).
Genomic context (GRCh38, chr12:13,564,347, plus strand): 5'-TGATCTTGGTACACGTTGCTGTCCTTCAGCTGCAGGTTCCCGAACGTTCTCTCTACCTCA[C>T]TGATGTAGTCACTGAAGAGGTTCTCCTCACAGGGCGGGTTGTTGTAGGATTTGCAGTCAG-3'
Protein context (NP_000825.2, residues 954-974): CEENLFSDYI[Ser964Asn]EVERTFGNLQ

ClinVar aggregate classification (germline): Uncertain significance (1 of 4 stars; one submission).

Submission:

GeneDx
Classification: Uncertain significance. Last evaluated: 2024-03-05. Review status: criteria provided, single submitter. Criteria: GeneDx Variant Classification Process June 2021. Collection method: clinical testing. Allele origin: germline. Affected: yes.
Comment: Not observed at significant frequency in large population cohorts (gnomAD); In silico analysis supports that this missense variant has a deleterious effect on protein structure/function; Has not been previously published as pathogenic or benign to our knowledge